The following is an entry in ClinVar:

ClinVar aggregate classification (germline): Uncertain significance (1 of 4 stars; one submission).

Conditions:
Neuronal ceroid lipofuscinosis 7 (CLN7). Also called: MFSD8-Related Neuronal Ceroid-Lipofuscinosis. Identifiers: Orphanet 168491, Orphanet 228366, MedGen C1838571, MONDO:0012588, OMIM 610951.

gnomAD v4.1: 1 of 1,611,842 alleles (0.000062%); highest among the groups gnomAD compares: Non-Finnish European, 0.000085%; no homozygotes.

Submission:

Labcorp Genetics (formerly Invitae), Labcorp
Classification: Uncertain significance for Neuronal ceroid lipofuscinosis 7. Last evaluated: 2024-10-24. Review status: criteria provided, single submitter. Criteria: Invitae Variant Classification Sherloc (09022015). Collection method: clinical testing. Allele origin: germline.
Comment: This sequence change replaces methionine, which is neutral and non-polar, with valine, which is neutral and non-polar, at codon 297 of the MFSD8 protein (p.Met297Val). This variant is not present in population databases (gnomAD no frequency). This variant has not been reported in the literature in individuals affected with MFSD8-related conditions. ClinVar contains an entry for this variant (Variation ID: 1713594). Invitae Evidence Modeling of protein sequence and biophysical properties (such as structural, functional, and spatial information, amino acid conservation, physicochemical variation, residue mobility, and thermodynamic stability) indicates that this missense variant is not expected to disrupt MFSD8 protein function with a negative predictive value of 80%. In summary, the available evidence is currently insufficient to determine the role of this variant in disease. Therefore, it has been classified as a Variant of Uncertain Significance.

NM_001371596.2(MFSD8):c.889A>G (p.Met297Val)

Gene: MFSD8 (major facilitator superfamily domain containing 8; minus strand). Cytogenetic location: 4q28.2.
Variant type: single nucleotide variant.
Coding change: c.889A>G on transcript NM_001371596.2 (MANE Select); coding-DNA position 889, A replaced by G.
Protein change: p.Met297Val; replaces methionine 297 with valine.
Molecular consequence: missense variant.
Genome position (GRCh38, 1-based): chr4:127,930,792, T>C on the plus strand (A>G on the coding strand, the complement: MFSD8 is on the minus strand). VCF-style: chr4-127930792-T-C. GRCh37 (hg19) VCF-style: chr4-128851947-T-C.
Other names: c.688A>G, p.Met230Val (NM_001363520.3); c.574A>G, p.Met192Val (NM_001363521.3); c.754A>G, p.Met252Val (NM_001371590.2); c.889A>G, p.Met297Val (NM_001371591.2, NM_152778.4); c.895A>G, p.Met299Val (NM_001371592.2); c.775A>G, p.Met259Val (NM_001371593.2, NM_001410766.1); c.742A>G, p.Met248Val (NM_001371594.2); c.607A>G, p.Met203Val (NM_001371595.1); and 1 more; short protein forms M147V, M192V, M203V, M230V, M248V, M252V, M259V, M297V.
Identifiers: ClinVar variation 1713594 (VCV001713594.5), dbSNP rs1419909769, ClinGen allele CA358174107.